The following is an entry in ClinVar:

ClinVar aggregate classification (germline): Likely benign. Review status: criteria provided, multiple submitters, no conflicts (2 of 4 stars). 3 submissions from 3 submitters: Likely benign (3). Last evaluated 2025-11-30.

Conditions:
Hereditary cancer-predisposing syndrome. Also called: Neoplastic Syndromes, Hereditary; Tumor predisposition; Hereditary neoplastic syndrome; Hereditary Cancer Syndrome. Identifiers: Orphanet 140162, MedGen C0027672, MeSH D009386, MONDO:0015356.

Allele frequency attached by ClinVar (database versions not stated): gnomAD exomes below 0.00001.
gnomAD v4.1: 3 of 1,577,328 alleles (0.00019%); highest among the groups gnomAD compares: Non-Finnish European, 0.00026%; no homozygotes.

Submissions (3):

Labcorp Genetics (formerly Invitae), Labcorp
Classification: Likely benign. Last evaluated: 2025-11-30. Review status: criteria provided, single submitter. Criteria: Invitae Variant Classification Sherloc (09022015). Collection method: clinical testing. Allele origin: germline.

CeGaT Center for Human Genetics Tuebingen
Classification: Likely benign. Last evaluated: 2025-02-01. Review status: criteria provided, single submitter. Criteria: CeGaT Center For Human Genetics Tuebingen Variant Classification Criteria Version 2. Collection method: clinical testing. Allele origin: germline. Affected: yes. Observed: 1 variant allele.
Comment: POLE: BP4, BP7

Ambry Genetics
Classification: Likely benign for Hereditary cancer-predisposing syndrome. Last evaluated: 2021-09-29. Review status: criteria provided, single submitter. Criteria: Ambry Variant Classification Scheme 2023. Collection method: clinical testing. Allele origin: germline.

NM_006231.4(POLE):c.2164A>C (p.Arg722=)

Gene: POLE (DNA polymerase epsilon, catalytic subunit; minus strand). Cytogenetic location: 12q24.33.
Variant type: single nucleotide variant.
Coding change: c.2164A>C on transcript NM_006231.4 (MANE Select); coding-DNA position 2164, A replaced by C.
Protein change: p.Arg722=; no amino-acid change (arginine 722 retained).
Molecular consequence: synonymous variant.
Genome position (GRCh38, 1-based): chr12:132,668,365, T>G on the plus strand (A>C on the coding strand, the complement: POLE is on the minus strand). VCF-style: chr12-132668365-T-G. GRCh37 (hg19) VCF-style: chr12-133244951-T-G.
Identifiers: ClinVar variation 1104407 (VCV001104407.24), dbSNP rs2135974495, ClinGen allele CA482722106.